The following is an entry in ClinVar:

NM_025074.7(FRAS1):c.8003A>G (p.Asn2668Ser)

Gene: FRAS1 (Fraser extracellular matrix complex subunit 1; plus strand). Cytogenetic location: 4q21.21.
Variant type: single nucleotide variant.
Coding change: c.8003A>G on transcript NM_025074.7 (MANE Select); coding-DNA position 8003, A replaced by G.
Protein change: p.Asn2668Ser; replaces asparagine 2668 with serine.
Molecular consequence: missense variant.
Genome position (GRCh38, 1-based): chr4:78,477,966, A>G. VCF-style: chr4-78477966-A-G. GRCh37 (hg19) VCF-style: chr4-79399120-A-G.
Other names: c.8003A>G (NM_025074.6); short protein forms N2668S.
Identifiers: ClinVar variation 3618135 (VCV003618135.3).

ClinVar aggregate classification (germline): Uncertain significance. Review status: criteria provided, multiple submitters, no conflicts (2 of 4 stars). 2 submissions from 2 submitters: Uncertain significance (2). Last evaluated 2025-02-07.

Conditions:
Inborn genetic diseases. Identifiers: MedGen C0950123, MeSH D030342.

gnomAD v4.1: 6 of 1,613,044 alleles (0.00037%); highest among the groups gnomAD compares: Non-Finnish European, 0.00042%; no homozygotes.

Submissions (2):

Ambry Genetics
Classification: Uncertain significance for Inborn genetic diseases. Last evaluated: 2025-02-07. Review status: criteria provided, single submitter. Criteria: Ambry Variant Classification Scheme 2023. Collection method: clinical testing. Allele origin: germline.

Labcorp Genetics (formerly Invitae), Labcorp
Classification: Uncertain significance. Last evaluated: 2024-06-03. Review status: criteria provided, single submitter. Criteria: Invitae Variant Classification Sherloc (09022015). Collection method: clinical testing. Allele origin: germline.
Comment: This sequence change replaces asparagine, which is neutral and polar, with serine, which is neutral and polar, at codon 2668 of the FRAS1 protein (p.Asn2668Ser). This variant is present in population databases (no rsID available, gnomAD 0.0009%). This variant has not been reported in the literature in individuals affected with FRAS1-related conditions. Advanced modeling of protein sequence and biophysical properties (such as structural, functional, and spatial information, amino acid conservation, physicochemical variation, residue mobility, and thermodynamic stability) performed at Invitae indicates that this missense variant is not expected to disrupt FRAS1 protein function with a negative predictive value of 80%. In summary, the available evidence is currently insufficient to determine the role of this variant in disease. Therefore, it has been classified as a Variant of Uncertain Significance.